The following is an entry in ClinVar:

NM_024642.5(GALNT12):c.750G>A (p.Ser250=)

Gene: GALNT12 (polypeptide N-acetylgalactosaminyltransferase 12; plus strand). Cytogenetic location: 9q22.33.
Variant type: single nucleotide variant.
Coding change: c.750G>A on transcript NM_024642.5 (MANE Select); coding-DNA position 750, G replaced by A.
Protein change: p.Ser250=; no amino-acid change (serine 250 retained).
Molecular consequence: synonymous variant.
Genome position (GRCh38, 1-based): chr9:98,831,790, G>A. VCF-style: chr9-98831790-G-A. GRCh37 (hg19) VCF-style: chr9-101594072-G-A.
Identifiers: ClinVar variation 241516 (VCV000241516.23), dbSNP rs146690078, ClinGen allele CA5154050.

ClinVar aggregate classification (germline): Benign/Likely benign. Review status: criteria provided, multiple submitters, no conflicts (2 of 4 stars). 7 submissions from 7 submitters: Benign (3); Likely benign (4). Last evaluated 2026-04-24.

Conditions:
Colorectal cancer, susceptibility to, 1. Also called: COLORECTAL ADENOMA AND CANCER, SUSCEPTIBILITY TO; COLORECTAL CANCER, SUSCEPTIBILITY TO, ON CHROMOSOME 9. Identifiers: MedGen C1837315, MONDO:0012132, OMIM 608812.

Allele frequency attached by ClinVar (database versions not stated): 1000 Genomes Project 30x 0.00031; gnomAD 0.00036; TOPMed 0.00036; ESP Exome Variant Server 0.00038; 1000 Genomes Project 0.00040; ExAC 0.00056; gnomAD exomes 0.00056 and 0.00069.
gnomAD v4.1: 1,043 of 1,614,190 alleles (0.065%); highest among the groups gnomAD compares: East Asian, 0.087%; no homozygotes.

Submissions (7):

Myriad Genetics, Inc.
Classification: Benign for Colorectal cancer, susceptibility to, 1. Last evaluated: 2026-04-24. Review status: criteria provided, single submitter. Criteria: Myriad Autosomal Dominant, Autosomal Recessive and X-Linked Classification Criteria (2023). Collection method: clinical testing. Allele origin: unknown.
Comment: This variant is considered benign. This variant is a silent/synonymous amino acid change and it is not expected to impact splicing.

Labcorp Genetics (formerly Invitae), Labcorp
Classification: Benign. Last evaluated: 2025-12-17. Review status: criteria provided, single submitter. Criteria: Invitae Variant Classification Sherloc (09022015). Collection method: clinical testing. Allele origin: germline.

Blueprint Genetics
Classification: Likely benign. Last evaluated: 2024-10-02. Review status: criteria provided, single submitter. Criteria: ACMG Guidelines, 2015. Collection method: clinical testing. Allele origin: germline.

Department of Pathology and Laboratory Medicine, Sinai Health System
Classification: Likely benign for Colorectal cancer, susceptibility to, 1. Last evaluated: 2024-04-29. Review status: criteria provided, single submitter. Criteria: ACMG Guidelines, 2015. Collection method: clinical testing. Allele origin: germline. Affected: yes.

Quest Diagnostics Nichols Institute San Juan Capistrano
Classification: Benign. Last evaluated: 2021-08-25. Review status: criteria provided, single submitter. Criteria: Quest Diagnostics criteria. Collection method: clinical testing. Allele origin: unknown.

GeneDx
Classification: Likely benign. Last evaluated: 2021-03-09. Review status: criteria provided, single submitter. Criteria: GeneDx Variant Classification Process June 2021. Collection method: clinical testing. Allele origin: germline. Affected: yes.

Ambry Genetics
Classification: Likely benign. Last evaluated: 2017-03-20. Review status: criteria provided, single submitter. Criteria: Ambry Variant Classification Scheme 2023. Collection method: clinical testing. Allele origin: germline.